The following is an entry in ClinVar:

ClinVar aggregate classification (germline): Likely benign (1 of 4 stars; one submission).

gnomAD v4.1: 48 of 1,607,838 alleles (0.003%); highest among the groups gnomAD compares: African/African-American, 0.036%; 1 homozygote.

Submission:

CeGaT Center for Human Genetics Tuebingen
Classification: Likely benign. Last evaluated: 2026-05-01. Review status: criteria provided, single submitter. Criteria: CeGaT Center For Human Genetics Tuebingen Variant Classification Criteria Version 2. Collection method: clinical testing. Allele origin: germline. Affected: yes. Observed: 1 variant allele.
Comment: ZNF257: BP4, BP7

NM_033468.4(ZNF257):c.705A>C (p.Gly235=)

Gene: ZNF257 (zinc finger protein 257; plus strand). Cytogenetic location: 19p12.
Variant type: single nucleotide variant.
Coding change: c.705A>C on transcript NM_033468.4 (MANE Select); coding-DNA position 705, A replaced by C.
Protein change: p.Gly235=; no amino-acid change (glycine 235 retained).
Molecular consequence: synonymous variant.
Genome position (GRCh38, 1-based): chr19:22,088,455, A>C. VCF-style: chr19-22088455-A-C. GRCh37 (hg19) VCF-style: chr19-22271257-A-C.
Other names: c.609A>C, p.Gly203= (NM_001316996.2); c.477A>C, p.Gly159= (NM_001316997.2, NM_001316998.2).
Identifiers: ClinVar variation 4872059 (VCV004872059.2).